The following is an entry in ClinVar:

ClinVar aggregate classification (germline): Pathogenic. Review status: criteria provided, multiple submitters, no conflicts (2 of 4 stars). 3 submissions from 3 submitters: Pathogenic (2). 1 of the submissions does not count toward it. Last evaluated 2023-06-28.

Conditions:
Cerebral arteriopathy with subcortical infarcts and leukoencephalopathy. Also called: Cerebral autosomal dominant arteriopathy with subcortical infarcts and leukoencephalopathy. Identifiers: MedGen C0751587, MONDO:0007432.

Submissions (3):

Athena Diagnostics
Classification: Pathogenic. Last evaluated: 2023-06-28. Review status: criteria provided, single submitter. Criteria: Athena Diagnostics Criteria. Collection method: clinical testing. Allele origin: unknown.
Comment: This variant has been identified in at least one individual with clinical features associated with CADASIL. This variant has not been reported in large, multi-ethnic general populations. This variant alters a critical location within the protein, and is expected to severely affect function and cause disease. Greater than 90% of NOTCH3 pathogenic variants associated with CADASIL involve the gain or loss of a cysteine residue within the epidermal growth factor (EGF)-like repeat domain (PMID: 32457593, 20301673).

Mayo Clinic Laboratories, Mayo Clinic
Classification: Pathogenic. Last evaluated: 2022-08-29. Review status: criteria provided, single submitter. Criteria: ACMG Guidelines, 2015. Collection method: clinical testing. Allele origin: germline. Observed: 1 variant allele.
Comment: PP3, PM1, PM2, PS1, PS4_moderate

Molecular Genetics Laboratory, BC Children's and BC Women's Hospitals
Classification: Pathogenic for CADASIL. Last evaluated: 2020-02-14. Review status: no assertion criteria provided. Criteria: ACMG Guidelines, 2015. Collection method: clinical testing. Allele origin: germline. Affected: yes. Not counted in ClinVar's aggregate classification.

Literature cited by the submitters: PubMed 29980472 (cited by Athena Diagnostics and Mayo Clinic Laboratories, Mayo Clinic); PubMed 24840674 (cited by Athena Diagnostics and Mayo Clinic Laboratories, Mayo Clinic); PubMed 15229130 (cited by Athena Diagnostics and Mayo Clinic Laboratories, Mayo Clinic); PubMed 20167921 (cited by Mayo Clinic Laboratories, Mayo Clinic); PubMed 28710804 (cited by Mayo Clinic Laboratories, Mayo Clinic); PubMed 29370179 (cited by Mayo Clinic Laboratories, Mayo Clinic).

NM_000435.3(NOTCH3):c.580T>A (p.Cys194Ser)

Gene: NOTCH3 (notch receptor 3; minus strand). Cytogenetic location: 19p13.12.
Variant type: single nucleotide variant.
Coding change: c.580T>A on transcript NM_000435.3 (MANE Select); coding-DNA position 580, T replaced by A.
Protein change: p.Cys194Ser; replaces cysteine 194 with serine.
Molecular consequence: missense variant.
Genome position (GRCh38, 1-based): chr19:15,192,059, A>T on the plus strand (T>A on the coding strand, the complement: NOTCH3 is on the minus strand). VCF-style: chr19-15192059-A-T. GRCh37 (hg19) VCF-style: chr19-15302870-A-T.
Other names: p.Cys194Ser; short protein forms C194S.
Identifiers: ClinVar variation 585611 (VCV000585611.6), dbSNP rs1568361818, ClinGen allele CA404533474.